The following is an entry in ClinVar:

NM_001267550.2(TTN):c.44083G>C (p.Glu14695Gln)

Gene: TTN (titin; minus strand). Cytogenetic location: 2q31.2.
Variant type: single nucleotide variant.
Coding change: c.44083G>C on transcript NM_001267550.2 (MANE Select); coding-DNA position 44083, G replaced by C.
Protein change: p.Glu14695Gln; replaces glutamic acid 14695 with glutamine.
Molecular consequence: missense variant.
Genome position (GRCh38, 1-based): chr2:178,630,875, C>G on the plus strand (G>C on the coding strand, the complement: TTN is on the minus strand). VCF-style: chr2-178630875-C-G. GRCh37 (hg19) VCF-style: chr2-179495602-C-G.
Other names: c.39160G>C, p.Glu13054Gln (NM_001256850.1); c.16888G>C, p.Glu5630Gln (NM_003319.4); c.36379G>C, p.Glu12127Gln (NM_133378.4); c.17263G>C, p.Glu5755Gln (NM_133432.3); c.17464G>C, p.Glu5822Gln (NM_133437.4); short protein forms E12127Q, E13054Q, E14695Q, E5630Q, E5755Q, E5822Q.
Identifiers: ClinVar variation 811382 (VCV000811382.8), dbSNP rs1576671338, ClinGen allele CA349646138.
Genomic context (GRCh38, chr2:178,630,875, plus strand): 5'-GTAGGGCCTCTCCCTTGAGTTTCCAGTTGGCGTGGATATCATCTTCAGAGATTTCGGTTT[C>G]AAAGCGTGCTGTCTCAGTCTCCATCACCTCCACACTGTGCAGGGGTCGCACCAGTTTAAT-3'
Protein context (NP_001254479.2, residues 14685-14705): EVMETETARF[Glu14695Gln]TEISEDDIHA

ClinVar aggregate classification (germline): Uncertain significance (1 of 4 stars; one submission).

Submission:

ARUP Laboratories, Molecular Genetics and Genomics, ARUP Laboratories
Classification: Uncertain significance. Last evaluated: 2019-05-01. Review status: criteria provided, single submitter. Criteria: ARUP Molecular Germline Variant Investigation Process. Collection method: clinical testing. Allele origin: germline.
Comment: The TTN c.36379G>C; p.Glu12127Gln variant is rare in the general population (<1% allele frequency in the Genome Aggregation Database) and has not been reported in the medical literature in association with dilated cardiomyopathy (DCM) or other TTN-related disease. The clinical relevance of rare missense variants in this gene, which are identified on average once per individual sequenced in affected populations (Herman 2012), is not well understood. Yet, evidence suggests that the vast majority of such missense variants do not contribute to the clinical outcome of DCM (Begay 2015). Thus, the clinical significance of the p.Glu12127Gln variant cannot be determined with certainty. References: Begay RL et al. Role of Titin Missense Variants in Dilated Cardiomyopathy. J Am Heart Assoc. 2015 Nov 13;4(11). Herman DS et al. Truncations of titin causing dilated cardiomyopathy. N Engl J Med. 2012 Feb 16;366(7):619-28. Linke and Hamdani. Gigantic business: titin properties and function through thick and thin. Circ Res 2014; 114(6): 1052-1068.